The following is an entry in ClinVar:

NM_001369.3(DNAH5):c.4510G>C (p.Gly1504Arg)

Genes: DNAH5 (dynein axonemal heavy chain 5; minus strand), DNAH5-AS1 (DNAH5 antisense RNA 1; plus strand). Cytogenetic location: 5p15.2.
Variant type: single nucleotide variant.
Coding change: c.4510G>C on transcript NM_001369.3 (MANE Select); coding-DNA position 4510, G replaced by C.
Protein change: p.Gly1504Arg; replaces glycine 1504 with arginine.
Molecular consequence: missense variant.
Genome position (GRCh38, 1-based): chr5:13,864,483, C>G on the plus strand (G>C on the coding strand, the complement: DNAH5 is on the minus strand). VCF-style: chr5-13864483-C-G. GRCh37 (hg19) VCF-style: chr5-13864592-C-G.
Other names: short protein forms G1504R.
Identifiers: ClinVar variation 227325 (VCV000227325.40), dbSNP rs143567667, ClinGen allele CA3203964.

ClinVar aggregate classification (germline): Conflicting classifications of pathogenicity. Review status: criteria provided, conflicting classifications (1 of 4 stars). 9 submissions from 9 submitters: Uncertain significance (1); Benign (3); Likely benign (4). 1 of the submissions does not count toward it. Last evaluated 2026-01-31.

Conditions:
Primary ciliary dyskinesia. Also called: Ciliary dyskinesia. Identifiers: Orphanet 244, MedGen C0008780, MONDO:0016575, HP:0012265.
Primary ciliary dyskinesia 3. Identifiers: Orphanet 244, MedGen C1837618, MONDO:0012085, OMIM 608644.

Allele frequency attached by ClinVar (database versions not stated): 1000 Genomes Project 0.00180; 1000 Genomes Project 30x 0.00187; gnomAD 0.00277; TOPMed 0.00310; ESP Exome Variant Server 0.00323.
gnomAD v4.1: 921 of 1,614,126 alleles (0.057%); highest among the groups gnomAD compares: African/African-American, 0.98%; 5 homozygotes.

Submissions (9):

Labcorp Genetics (formerly Invitae), Labcorp
Classification: Likely benign for Primary ciliary dyskinesia. Last evaluated: 2026-01-31. Review status: criteria provided, single submitter. Criteria: Invitae Variant Classification Sherloc (09022015). Collection method: clinical testing. Allele origin: germline.

CeGaT Center for Human Genetics Tuebingen
Classification: Likely benign. Last evaluated: 2025-07-01. Review status: criteria provided, single submitter. Criteria: CeGaT Center For Human Genetics Tuebingen Variant Classification Criteria Version 2. Collection method: clinical testing. Allele origin: germline. Affected: yes. Observed: 2 variant alleles.
Comment: DNAH5: BS2

Blueprint Genetics
Classification: Likely benign. Last evaluated: 2024-11-25. Review status: criteria provided, single submitter. Criteria: ACMG Guidelines, 2015. Collection method: clinical testing. Allele origin: germline.

Dubai Health Genomic Medicine Center, Dubai Health
Classification: Benign for Primary ciliary dyskinesia 3. Last evaluated: 2020-02-25. Review status: criteria provided, single submitter. Criteria: ACMG Guidelines, 2015. Collection method: clinical testing. Allele origin: germline. Affected: yes.

Illumina Laboratory Services, Illumina
Classification: Uncertain significance for Primary ciliary dyskinesia 3. Last evaluated: 2018-01-13. Review status: criteria provided, single submitter. Criteria: ICSL Variant Classification Criteria 13 December 2019. Collection method: clinical testing. Allele origin: germline.

Ambry Genetics
Classification: Benign for Primary ciliary dyskinesia. Last evaluated: 2016-10-14. Review status: criteria provided, single submitter. Criteria: Ambry Variant Classification Scheme 2023. Collection method: clinical testing. Allele origin: germline.

Laboratory for Molecular Medicine, Mass General Brigham Personalized Medicine
Classification: Likely benign. Last evaluated: 2016-03-16. Review status: criteria provided, single submitter. Criteria: LMM Criteria. Collection method: clinical testing. Allele origin: germline. Observed: 1 variant allele.
Comment: p.Gly1504Arg in exon 28 of DNAH5: This variant is not expected to have clinical significance because it has been identified in 0.8% (86/10378) of African chromo somes by the Exome Aggregation Consortium (ExAC; dbSNP rs143567667).

PreventionGenetics, part of Exact Sciences
Classification: Benign. Review status: criteria provided, single submitter. Criteria: ACMG Guidelines, 2015. Collection method: clinical testing. Allele origin: germline.

Natera, Inc.
Classification: Benign for Primary ciliary dyskinesia. Last evaluated: 2019-11-11. Review status: no assertion criteria provided. Collection method: clinical testing. Allele origin: germline. Not counted in ClinVar's aggregate classification.